The following is an entry in ClinVar:

NM_152263.4(TPM3):c.503G>A (p.Arg168His)

Gene: TPM3 (tropomyosin 3; minus strand). Cytogenetic location: 1q21.3.
Variant type: single nucleotide variant.
Coding change: c.503G>A on transcript NM_152263.4 (MANE Select); coding-DNA position 503, G replaced by A.
Protein change: p.Arg168His; replaces arginine 168 with histidine.
Molecular consequence: missense variant. On other transcripts: non-coding transcript variant (1).
Genome position (GRCh38, 1-based): chr1:154,172,971, C>T on the plus strand (G>A on the coding strand, the complement: TPM3 is on the minus strand). VCF-style: chr1-154172971-C-T. GRCh37 (hg19) VCF-style: chr1-154145447-C-T.
Other names: c.194G>A, p.Arg65His (NM_001278188.2); c.392G>A, p.Arg131His (NM_001043351.2, NM_001043352.2, NM_001043353.2 and 5 more transcripts); c.122G>A, p.Arg41His (NM_001278191.2); c.503G>A, p.Arg168His (NM_001364679.2, NM_001364680.2, NM_001364681.2 and 1 more transcripts); short protein forms R168H, R131H, R65H, R41H.
Identifiers: ClinVar variation 12450 (VCV000012450.52), dbSNP rs121964852, ClinGen allele CA144541.

ClinVar aggregate classification (germline): Pathogenic. Review status: criteria provided, multiple submitters, no conflicts (2 of 4 stars). 11 submissions from 11 submitters: Pathogenic (8). 3 of the submissions do not count toward it. Last evaluated 2025-10-14.

Conditions:
TPM3-related disorder. Also called: TPM3-related condition.
Congenital myopathy 4A, autosomal dominant (CMYO4A). Identifiers: MedGen CN178536, MONDO:0800341, OMIM 255310.
Congenital myopathy 4B, autosomal recessive. Also called: Nemaline myopathy 1, autosomal dominant or recessive. Identifiers: Orphanet 171433, Orphanet 171439, Orphanet 171881, MedGen C5829889, MONDO:0012239, OMIM 609284.
Congenital myopathy with fiber type disproportion. Also called: Congenital fiber-type disproportion; Congenital fiber-type disproportion myopathy. Identifiers: Orphanet 2020, MedGen C0546264, MONDO:0009711. Inheritance: all.

Submissions (11):

Labcorp Genetics (formerly Invitae), Labcorp
Classification: Pathogenic for Congenital myopathy with fiber type disproportion; Congenital myopathy 4B, autosomal recessive. Last evaluated: 2025-10-14. Review status: criteria provided, single submitter. Criteria: Invitae Variant Classification Sherloc (09022015). Collection method: clinical testing. Allele origin: germline.
Comment: This sequence change replaces arginine, which is basic and polar, with histidine, which is basic and polar, at codon 168 of the TPM3 protein (p.Arg168His). This variant is not present in population databases (gnomAD no frequency). This missense change has been observed in individual(s) with autosomal dominant nemaline myopathy, cap myopathy, congenital myopathy, and congenital fiber type disproportion (PMID: 12467750, 17376686, 19553118, 21357678, 24507666, 24692096). In at least one individual the variant was observed to be de novo. It has also been observed to segregate with disease in related individuals. This variant is also known as p.Arg167His. ClinVar contains an entry for this variant (Variation ID: 12450). Invitae Evidence Modeling of protein sequence and biophysical properties (such as structural, functional, and spatial information, amino acid conservation, physicochemical variation, residue mobility, and thermodynamic stability) indicates that this missense variant is not expected to disrupt TPM3 protein function with a negative predictive value of 80%. Experimental studies have shown that this missense change affects TPM3 function (PMID: 21357678, 22749829, 22798622, 23886664). This variant disrupts the p.Arg168 amino acid residue in TPM3. Other variant(s) that disrupt this residue have been determined to be pathogenic (PMID: 24095155, 24692096). This suggests that this residue is clinically significant, and that variants that disrupt this residue are likely to be disease-causing. For these reasons, this variant has been classified as Pathogenic.

CeGaT Center for Human Genetics Tuebingen
Classification: Pathogenic. Last evaluated: 2023-03-01. Review status: criteria provided, single submitter. Criteria: CeGaT Center For Human Genetics Tuebingen Variant Classification Criteria Version 2. Collection method: clinical testing. Allele origin: germline. Affected: yes. Observed: 1 variant allele.
Comment: TPM3: PM1, PM2, PM5, PS4:Moderate, PP3, PS3:Supporting

GeneDx
Classification: Pathogenic. Last evaluated: 2021-11-01. Review status: criteria provided, single submitter. Criteria: GeneDx Variant Classification Process June 2021. Collection method: clinical testing. Allele origin: germline. Affected: yes.
Comment: Not observed in large population cohorts (Lek et al., 2016); The majority of missense variants in this gene are considered pathogenic (Stenson et al., 2014); In silico analysis, which includes protein predictors and evolutionary conservation, supports a deleterious effect; This variant is associated with the following publications: (PMID: 12467750, 22749829, 23886664, 22798622, 24692096, 17376686, 26307083, 19553118, 18300303, 19953533, 20951040, 32140910, 33333461, 31270709)

Blueprint Genetics
Classification: Pathogenic for TPM3-related disorders. Last evaluated: 2021-10-19. Review status: criteria provided, single submitter. Criteria: ACMG Guidelines, 2015. Collection method: clinical testing. Allele origin: germline. Affected: yes. Observed: 1 variant allele.

Mayo Clinic Laboratories, Mayo Clinic
Classification: Pathogenic. Last evaluated: 2021-07-22. Review status: criteria provided, single submitter. Criteria: ACMG Guidelines, 2015. Collection method: clinical testing. Allele origin: germline.
Comment: PP1, PP3, PM2, PM6, PS3, PS4_moderate

Genetics Laboratory, UDIAT-Centre Diagnòstic, Hospital Universitari Parc Tauli
Classification: Pathogenic. Last evaluated: 2021-04-26. Review status: criteria provided, single submitter. Criteria: Parc Tauli Hospital Assertion Criteria 2021. Collection method: clinical testing. Allele origin: unknown. Inheritance: Autosomal dominant inheritance. Affected: yes. Observed: 1 heterozygote.
Comment: PP5_very strong;PS3_strong;PM2_supporting;PM5_moderate;PP2_supporting;PP3_supporting

Genomic Research Center, Shahid Beheshti University of Medical Sciences
Classification: Pathogenic for Congenital myopathy 4B, autosomal recessive. Last evaluated: 2020-05-03. Review status: criteria provided, single submitter. Criteria: ACMG Guidelines, 2015. Collection method: clinical testing. Allele origin: unknown. Affected: yes.

Athena Diagnostics
Classification: Pathogenic. Last evaluated: 2018-08-29. Review status: criteria provided, single submitter. Criteria: Athena Diagnostics Criteria. Collection method: clinical testing. Allele origin: germline.
Comment: Not found in the total gnomAD dataset, and the data is high quality (0/277230 chr). Found in at least one symptomatic patient. Conflicting predictions of the effect on the protein. Two other pathogenic or likely pathogenic variants affect the same amino acid. Damaging to protein function(s) relevant to disease mechanism. Moderate co-segregation with disease, and data include both affected and unaffected members from multiple families. 3 de novo cases without parental identity confirmed. 1 de novo case with parental identity confirmed.

OMIM
Classification: Pathogenic for CONGENITAL MYOPATHY 4A, AUTOSOMAL DOMINANT. Last evaluated: 2009-10-01. Review status: no assertion criteria provided. Collection method: literature only. Allele origin: germline. Not counted in ClinVar's aggregate classification.

GeneReviews
No classification provided. Condition: Congenital myopathy 4B, autosomal recessive. Review status: no classification provided. Collection method: literature only. Allele origin: unknown. Not counted in ClinVar's aggregate classification.

TPM3 homepage - Leiden Muscular Dystrophy pages
No classification provided. Review status: no classification provided. Collection method: not provided. Allele origin: germline. Not counted in ClinVar's aggregate classification.

Literature cited by the submitters: PubMed 12467750 (cited by Labcorp Genetics (formerly Invitae), Labcorp and Athena Diagnostics); PubMed 17376686 (cited by 4 submitters); PubMed 19553118 (cited by 4 submitters); PubMed 21357678 (cited by Labcorp Genetics (formerly Invitae), Labcorp and Athena Diagnostics); PubMed 24507666 (cited by Labcorp Genetics (formerly Invitae), Labcorp and Athena Diagnostics); PubMed 24692096 (cited by 3 submitters); PubMed 22749829 (cited by 3 submitters); PubMed 22798622 (cited by 3 submitters); PubMed 23886664 (cited by 3 submitters); PubMed 24095155 (cited by Labcorp Genetics (formerly Invitae), Labcorp and Athena Diagnostics); PubMed 26307083 (cited by Athena Diagnostics); PubMed 19953533 (cited by Athena Diagnostics and GeneReviews); PubMed 18300303 (cited by 3 submitters); PubMed 20951040 (cited by Athena Diagnostics); PubMed 1221488 (cited by OMIM); PubMed 20301436 (cited by GeneReviews); NCBI Bookshelf NBK1259 (cited by GeneReviews).